The following is an entry in ClinVar:

ClinVar aggregate classification (germline): Pathogenic (1 of 4 stars; one submission).

Conditions:
Landau-Kleffner syndrome (FESD). Also called: EPILEPSY, FOCAL, WITH SPEECH DISORDER AND WITH OR WITHOUT MENTAL RETARDATION; APHASIA, ACQUIRED, WITH EPILEPSY. Identifiers: Orphanet 1945, Orphanet 725, Orphanet 98818, MedGen C0282512, MONDO:0009509, OMIM 245570.

Submission:

Labcorp Genetics (formerly Invitae), Labcorp
Classification: Pathogenic for Landau-Kleffner syndrome. Last evaluated: 2023-12-02. Review status: criteria provided, single submitter. Criteria: Invitae Variant Classification Sherloc (09022015). Collection method: clinical testing. Allele origin: germline.
Comment: This sequence change creates a premature translational stop signal (p.Asp675Phefs*11) in the GRIN2A gene. It is expected to result in an absent or disrupted protein product. Loss-of-function variants in GRIN2A are known to be pathogenic (PMID: 23933819, 23933820). This variant is not present in population databases (gnomAD no frequency). This variant has not been reported in the literature in individuals affected with GRIN2A-related conditions. For these reasons, this variant has been classified as Pathogenic.

Literature cited by the submitters: PubMed 23933819; PubMed 23933820.

NM_001134407.3(GRIN2A):c.2023_2027del (p.Asp675fs)

Gene: GRIN2A (glutamate ionotropic receptor NMDA type subunit 2A; minus strand). Cytogenetic location: 16p13.2.
Variant type: Deletion.
Coding change: c.2023_2027del on transcript NM_001134407.3 (MANE Select); coding-DNA positions 2023 to 2027, 5 bases deleted (GACTA; older notation c.2023_2027delGACTA).
Protein change: p.Asp675fs; shifts the reading frame from aspartic acid 675.
Molecular consequence: frameshift variant.
Genome position (GRCh38, 1-based): chr16:9,822,405-9,822,409, TAGTC deleted on the plus strand (GACTA on the coding strand, the reverse complement: GRIN2A is on the minus strand). VCF-style (leftmost placement, unchanged base first): chr16-9822404-ATAGTC-A. GRCh37 (hg19) VCF-style: chr16-9916261-ATAGTC-A.
Other names: c.2023_2027del, p.Asp675fs (NM_000833.5, NM_001134408.2); short protein forms D675fs.
Identifiers: ClinVar variation 2816521 (VCV002816521.3), dbSNP rs2506094829, ClinGen allele CA2739265494.